The following is an entry in ClinVar:

NM_004525.3(LRP2):c.335A>G (p.Gln112Arg)

Gene: LRP2 (LDL receptor related protein 2; minus strand). Cytogenetic location: 2q31.1.
Variant type: single nucleotide variant.
Coding change: c.335A>G on transcript NM_004525.3 (MANE Select); coding-DNA position 335, A replaced by G.
Protein change: p.Gln112Arg; replaces glutamine 112 with arginine.
Molecular consequence: missense variant.
Genome position (GRCh38, 1-based): chr2:169,307,373, T>C on the plus strand (A>G on the coding strand, the complement: LRP2 is on the minus strand). VCF-style: chr2-169307373-T-C. GRCh37 (hg19) VCF-style: chr2-170163883-T-C.
Other names: short protein forms Q112R.
Identifiers: ClinVar variation 1356259 (VCV001356259.3), dbSNP rs769445177, ClinGen allele CA1955910.

ClinVar aggregate classification (germline): Uncertain significance (1 of 4 stars; one submission).

Allele frequency attached by ClinVar (database versions not stated): gnomAD exomes 0.00002; ExAC 0.00004.
gnomAD v4.1: 6 of 1,612,676 alleles (0.00037%); highest among the groups gnomAD compares: East Asian, 0.011%; no homozygotes.

Submission:

Labcorp Genetics (formerly Invitae), Labcorp
Classification: Uncertain significance. Last evaluated: 2022-02-22. Review status: criteria provided, single submitter. Criteria: Invitae Variant Classification Sherloc (09022015). Collection method: clinical testing. Allele origin: germline.
Comment: This sequence change replaces glutamine, which is neutral and polar, with arginine, which is basic and polar, at codon 112 of the LRP2 protein (p.Gln112Arg). This variant is present in population databases (rs769445177, gnomAD 0.02%). This variant has not been reported in the literature in individuals affected with LRP2-related conditions. Advanced modeling of protein sequence and biophysical properties (such as structural, functional, and spatial information, amino acid conservation, physicochemical variation, residue mobility, and thermodynamic stability) performed at Invitae indicates that this missense variant is expected to disrupt LRP2 protein function. In summary, the available evidence is currently insufficient to determine the role of this variant in disease. Therefore, it has been classified as a Variant of Uncertain Significance.